The following is an entry in ClinVar:

ClinVar aggregate classification (germline): Uncertain significance (1 of 4 stars; one submission).

gnomAD v4.1: 26 of 1,509,084 alleles (0.0017%); highest among the groups gnomAD compares: Non-Finnish European, 0.0024%; no homozygotes.

Submission:

Women's Health and Genetics/Laboratory Corporation of America, LabCorp
Classification: Uncertain significance. Last evaluated: 2026-05-07. Review status: criteria provided, single submitter. Criteria: LabCorp Variant Classification Summary - May 2015. Collection method: clinical testing. Allele origin: germline.
Comment: Variant summary: RNF125 c.614A>C (p.Asp205Ala) results in a non-conservative amino acid change in the encoded protein sequence. Algorithms developed to predict the effect of missense changes on protein structure and function all suggest that this variant is likely to be disruptive. Consensus agreement among computation tools predict no significant impact on normal splicing. However, these predictions have yet to be confirmed by functional studies. The variant was absent in 248494 control chromosomes. The available data on variant occurrences in the general population are insufficient to allow any conclusion about variant significance. To our knowledge, no occurrence of c.614A>C in individuals affected with RNF125-related conditions and no experimental evidence demonstrating its impact on protein function have been reported. No submitters have cited clinical-significance assessments for this variant to ClinVar. Based on the evidence outlined above, the variant was classified as uncertain significance.

NM_017831.4(RNF125):c.614A>C (p.Asp205Ala)

Gene: RNF125 (ring finger protein 125; plus strand). Cytogenetic location: 18q12.1.
Variant type: single nucleotide variant.
Coding change: c.614A>C on transcript NM_017831.4 (MANE Select); coding-DNA position 614, A replaced by C.
Protein change: p.Asp205Ala; replaces aspartic acid 205 with alanine.
Molecular consequence: missense variant. On other transcripts: intron variant (2).
Genome position (GRCh38, 1-based): chr18:32,068,299, A>C. VCF-style: chr18-32068299-A-C. GRCh37 (hg19) VCF-style: chr18-29648262-A-C.
Other names: c.612+2290A>C (NM_001436860.1); c.505-19599A>C (NM_001436861.1); short protein forms D205A.
Identifiers: ClinVar variation 4853477 (VCV004853477.1).